The following is an entry in ClinVar:

NM_004304.5(ALK):c.2671T>C (p.Trp891Arg)

Gene: ALK (ALK receptor tyrosine kinase; minus strand). Cytogenetic location: 2p23.2.
Variant type: single nucleotide variant.
Coding change: c.2671T>C on transcript NM_004304.5 (MANE Select); coding-DNA position 2671, T replaced by C.
Protein change: p.Trp891Arg; replaces tryptophan 891 with arginine.
Molecular consequence: missense variant.
Genome position (GRCh38, 1-based): chr2:29,229,028, A>G on the plus strand (T>C on the coding strand, the complement: ALK is on the minus strand). VCF-style: chr2-29229028-A-G. GRCh37 (hg19) VCF-style: chr2-29451894-A-G.
Other names: c.2671T>C (NM_004304.4); short protein forms W891R.
Identifiers: ClinVar variation 2197690 (VCV002197690.7), dbSNP rs2465978353, ClinGen allele CA346469991.

ClinVar aggregate classification (germline): Uncertain significance. Review status: criteria provided, multiple submitters, no conflicts (2 of 4 stars). 2 submissions from 2 submitters: Uncertain significance (2). Last evaluated 2025-09-25.

Conditions:
Hereditary cancer-predisposing syndrome. Also called: Neoplastic Syndromes, Hereditary; Tumor predisposition; Hereditary neoplastic syndrome; Hereditary Cancer Syndrome. Identifiers: Orphanet 140162, MedGen C0027672, MeSH D009386, MONDO:0015356.
Neuroblastoma, susceptibility to, 3. Also called: ALK-Related Neuroblastic Tumor Susceptibility. Identifiers: Orphanet 635, MedGen C2751681, MONDO:0013083, OMIM 613014.

Submissions (2):

Ambry Genetics
Classification: Uncertain significance for Hereditary cancer-predisposing syndrome. Last evaluated: 2025-09-25. Review status: criteria provided, single submitter. Criteria: Ambry Variant Classification Scheme 2023. Collection method: clinical testing. Allele origin: germline.
Comment: The p.W891R variant (also known as c.2671T>C), located in coding exon 16 of the ALK gene, results from a T to C substitution at nucleotide position 2671. The tryptophan at codon 891 is replaced by arginine, an amino acid with dissimilar properties. This amino acid position is well conserved in available vertebrate species. In addition, the in silico prediction for this alteration is inconclusive. Based on the available evidence, the clinical significance of this variant remains unclear.

Labcorp Genetics (formerly Invitae), Labcorp
Classification: Uncertain significance for Neuroblastoma, susceptibility to, 3. Last evaluated: 2024-12-12. Review status: criteria provided, single submitter. Criteria: Invitae Variant Classification Sherloc (09022015). Collection method: clinical testing. Allele origin: germline.
Comment: This sequence change replaces tryptophan, which is neutral and slightly polar, with arginine, which is basic and polar, at codon 891 of the ALK protein (p.Trp891Arg). This variant is not present in population databases (gnomAD no frequency). This variant has not been reported in the literature in individuals affected with ALK-related conditions. ClinVar contains an entry for this variant (Variation ID: 2197690). An algorithm developed to predict the effect of missense changes on protein structure and function (PolyPhen-2) suggests that this variant is likely to be disruptive. In summary, the available evidence is currently insufficient to determine the role of this variant in disease. Therefore, it has been classified as a Variant of Uncertain Significance.